The following is an entry in ClinVar:

NM_006206.6(PDGFRA):c.2944G>A (p.Val982Met)

Gene: PDGFRA (platelet derived growth factor receptor alpha; plus strand). Cytogenetic location: 4q12.
Variant type: single nucleotide variant.
Coding change: c.2944G>A on transcript NM_006206.6 (MANE Select); coding-DNA position 2944, G replaced by A.
Protein change: p.Val982Met; replaces valine 982 with methionine.
Molecular consequence: missense variant.
Genome position (GRCh38, 1-based): chr4:54,290,376, G>A. VCF-style: chr4-54290376-G-A. GRCh37 (hg19) VCF-style: chr4-55156543-G-A.
Other names: c.3019G>A, p.Val1007Met (NM_001347828.2); c.2944G>A, p.Val982Met (NM_001347829.2); c.2983G>A, p.Val995Met (NM_001347830.2); short protein forms V982M, V995M, V1007M.
Identifiers: ClinVar variation 528628 (VCV000528628.8), dbSNP rs1553906630, ClinGen allele CA356896040.

ClinVar aggregate classification (germline): Uncertain significance. Review status: criteria provided, multiple submitters, no conflicts (2 of 4 stars). 2 submissions from 2 submitters: Uncertain significance (2). Last evaluated 2025-09-10.

Conditions:
Hereditary cancer-predisposing syndrome. Also called: Tumor predisposition; Hereditary neoplastic syndrome; Hereditary Cancer Syndrome; Neoplastic Syndromes, Hereditary. Identifiers: Orphanet 140162, MedGen C0027672, MeSH D009386, MONDO:0015356.
Gastrointestinal stromal tumor. Also called: Gastrointestinal stroma tumor; Gastrointestinal stromal tumor, somatic. Identifiers: Orphanet 44890, MedGen C0238198, MeSH D046152, MONDO:0011719, OMIM 606764, HP:0100723.

Allele frequency attached by ClinVar (database versions not stated): TOPMed below 0.00001.

Submissions (2):

Ambry Genetics
Classification: Uncertain significance for Hereditary cancer-predisposing syndrome. Last evaluated: 2025-09-10. Review status: criteria provided, single submitter. Criteria: Ambry Variant Classification Scheme 2023. Collection method: clinical testing. Allele origin: germline.
Comment: The p.V982M variant (also known as c.2944G>A), located in coding exon 21 of the PDGFRA gene, results from a G to A substitution at nucleotide position 2944. The valine at codon 982 is replaced by methionine, an amino acid with highly similar properties. This amino acid position is conserved. In addition, this alteration is predicted to be tolerated by in silico analysis. Based on the available evidence, the clinical significance of this variant remains unclear.

Labcorp Genetics (formerly Invitae), Labcorp
Classification: Uncertain significance for Gastrointestinal stromal tumor. Last evaluated: 2024-04-25. Review status: criteria provided, single submitter. Criteria: Invitae Variant Classification Sherloc (09022015). Collection method: clinical testing. Allele origin: germline.
Comment: This sequence change replaces valine, which is neutral and non-polar, with methionine, which is neutral and non-polar, at codon 982 of the PDGFRA protein (p.Val982Met). This variant is not present in population databases (gnomAD no frequency). This variant has not been reported in the literature in individuals affected with PDGFRA-related conditions. ClinVar contains an entry for this variant (Variation ID: 528628). Advanced modeling of protein sequence and biophysical properties (such as structural, functional, and spatial information, amino acid conservation, physicochemical variation, residue mobility, and thermodynamic stability) performed at Invitae indicates that this missense variant is not expected to disrupt PDGFRA protein function with a negative predictive value of 80%. In summary, the available evidence is currently insufficient to determine the role of this variant in disease. Therefore, it has been classified as a Variant of Uncertain Significance.